The following is an entry in ClinVar:

ClinVar aggregate classification (germline): Conflicting classifications of pathogenicity. Review status: criteria provided, conflicting classifications (1 of 4 stars). 2 submissions from 2 submitters: Likely pathogenic (1); Uncertain significance (1). Last evaluated 2023-11-27.

Conditions:
Inborn genetic diseases. Identifiers: MedGen C0950123, MeSH D030342.
Familial hemiplegic migraine. Identifiers: MedGen C0338484, MONDO:0000700.

Allele frequency attached by ClinVar (database versions not stated): ExAC 0.00001.

Submissions (2):

Labcorp Genetics (formerly Invitae), Labcorp
Classification: Likely pathogenic for Familial hemiplegic migraine. Last evaluated: 2023-11-27. Review status: criteria provided, single submitter. Criteria: Invitae Variant Classification Sherloc (09022015). Collection method: clinical testing. Allele origin: germline.
Comment: This sequence change affects a donor splice site in intron 7 of the ATP1A2 gene. It is expected to disrupt RNA splicing. Variants that disrupt the donor or acceptor splice site typically lead to a loss of protein function (PMID: 16199547), and loss-of-function variants in ATP1A2 are known to be pathogenic (PMID: 30690204). This variant is present in population databases (rs759781800, gnomAD 0.0009%). This variant has not been reported in the literature in individuals affected with ATP1A2-related conditions. ClinVar contains an entry for this variant (Variation ID: 1759105). Algorithms developed to predict the effect of sequence changes on RNA splicing suggest that this variant may disrupt the consensus splice site. In summary, the currently available evidence indicates that the variant is pathogenic, but additional data are needed to prove that conclusively. Therefore, this variant has been classified as Likely Pathogenic.

Ambry Genetics
Classification: Uncertain significance for Inborn genetic diseases. Last evaluated: 2019-05-16. Review status: criteria provided, single submitter. Criteria: Ambry Variant Classification Scheme 2023. Collection method: clinical testing. Allele origin: germline.
Comment: The c.748+1G>C intronic variant results from a G to C substitution one nucleotide after coding exon 7 of the ATP1A2 gene. This nucleotide position is highly conserved in available vertebrate species. Using the BDGP and ESEfinder splice site prediction tools, this alteration is predicted to abolish the native splice donor site; however, direct evidence is unavailable. Alterations that disrupt the canonical splice site are expected to cause aberrant splicing, resulting in an abnormal protein or a transcript that is subject to nonsense-mediated mRNA decay. However, loss of function of ATP1A2 has not been clearly established as a mechanism of disease. Since supporting evidence is limited at this time, the clinical significance of this alteration remains unclear.

Literature cited by the submitters: PubMed 16199547 (cited by Labcorp Genetics (formerly Invitae), Labcorp); PubMed 30690204 (cited by Labcorp Genetics (formerly Invitae), Labcorp).

NM_000702.4(ATP1A2):c.748+1G>C

Genes: ATP1A2 (ATPase Na+/K+ transporting subunit alpha 2; plus strand), LOC126805890 (CDK7 strongly-dependent group 2 enhancer GRCh37_chr1:160093987-160095186; plus strand). Cytogenetic location: 1q23.2.
Variant type: single nucleotide variant.
Coding change: c.748+1G>C on transcript NM_000702.4 (MANE Select); the canonical splice donor site of the intron after coding-DNA position 748, G replaced by C.
Molecular consequence: splice donor variant.
Genome position (GRCh38, 1-based): chr1:160,125,254, G>C. VCF-style: chr1-160125254-G-C. GRCh37 (hg19) VCF-style: chr1-160095044-G-C.
Identifiers: ClinVar variation 1759105 (VCV001759105.5), dbSNP rs759781800, ClinGen allele CA1194254.